The following is an entry in ClinVar:

ClinVar aggregate classification (germline): Uncertain significance (1 of 4 stars; one submission).

gnomAD v4.1: 43 of 1,613,362 alleles (0.0027%); highest among the groups gnomAD compares: Non-Finnish European, 0.0034%; no homozygotes.

Submission:

CeGaT Center for Human Genetics Tuebingen
Classification: Uncertain significance. Last evaluated: 2024-12-01. Review status: criteria provided, single submitter. Criteria: CeGaT Center For Human Genetics Tuebingen Variant Classification Criteria Version 2. Collection method: clinical testing. Allele origin: germline. Affected: yes. Observed: 1 variant allele.
Comment: CACNA1G: PP2, BP5

NM_018896.5(CACNA1G):c.5452G>A (p.Glu1818Lys)

Gene: CACNA1G (calcium voltage-gated channel subunit alpha1 G; plus strand). Cytogenetic location: 17q21.33.
Variant type: single nucleotide variant.
Coding change: c.5452G>A on transcript NM_018896.5 (MANE Select); coding-DNA position 5452, G replaced by A.
Protein change: p.Glu1818Lys; replaces glutamic acid 1818 with lysine.
Molecular consequence: missense variant. On other transcripts: non-coding transcript variant (5).
Genome position (GRCh38, 1-based): chr17:50,618,679, G>A. VCF-style: chr17-50618679-G-A. GRCh37 (hg19) VCF-style: chr17-48696040-G-A.
Other names: c.5398G>A, p.Glu1800Lys (NM_001256324.2, NM_198386.3); c.5473G>A, p.Glu1825Lys (NM_001256325.2); c.5317G>A, p.Glu1773Lys (NM_001256326.2, NM_001256330.2); c.5431G>A, p.Glu1811Lys (NM_001256327.2); c.5377G>A, p.Glu1793Lys (NM_001256328.2); c.5350G>A, p.Glu1784Lys (NM_001256329.2, NM_198376.3, NM_198379.3 and 2 more transcripts); c.5296G>A, p.Glu1766Lys (NM_001256331.2); c.5281G>A, p.Glu1761Lys (NM_001256332.2); and 7 more; short protein forms E1761K, E1766K, E1773K, E1777K, E1780K, E1782K, E1784K, E1791K.
Identifiers: ClinVar variation 3771739 (VCV003771739.13).
Genomic context (GRCh38, chr17:50,618,679, plus strand): 5'-CTCCCCAGCCTCACCCCTCTATTCCACCCTCCCCAGGACACCCTCCGGGACTGTGACCAG[G>A]AGTCCACCTGCTACAACACGGTCATCTCGCCTATCTACTTTGTGTCCTTCGTGCTGACGG-3'
Protein context (NP_061496.2, residues 1808-1828): MKDTLRDCDQ[Glu1818Lys]STCYNTVISP